The following is an entry in ClinVar:

ClinVar aggregate classification (germline): Uncertain significance (1 of 4 stars; one submission).

gnomAD v4.1: 12 of 1,614,050 alleles (0.00074%); highest among the groups gnomAD compares: Middle Eastern, 0.016%; no homozygotes.

Submission:

CeGaT Center for Human Genetics Tuebingen
Classification: Uncertain significance. Last evaluated: 2022-03-01. Review status: criteria provided, single submitter. Criteria: CeGaT Center For Human Genetics Tuebingen Variant Classification Criteria Version 2. Collection method: clinical testing. Allele origin: germline. Affected: yes. Observed: 1 variant allele.
Comment: FTL: PM2, BP4

NM_000146.4(FTL):c.248A>G (p.Lys83Arg)

Gene: FTL (ferritin light chain; plus strand). Cytogenetic location: 19q13.33.
Variant type: single nucleotide variant.
Coding change: c.248A>G on transcript NM_000146.4 (MANE Select); coding-DNA position 248, A replaced by G.
Protein change: p.Lys83Arg; replaces lysine 83 with arginine.
Molecular consequence: missense variant.
Genome position (GRCh38, 1-based): chr19:48,965,915, A>G. VCF-style: chr19-48965915-A-G. GRCh37 (hg19) VCF-style: chr19-49469172-A-G.
Other names: short protein forms K83R.
Identifiers: ClinVar variation 2650226 (VCV002650226.24), dbSNP rs1403032076, ClinGen allele CA406756576.
Genomic context (GRCh38, chr19:48,965,915, plus strand): 5'-ACGAGCGTCTCCTGAAGATGCAAAACCAGCGTGGCGGCCGCGCTCTCTTCCAGGACATCA[A>G]GGTAACTAGTGTGTGGGTAATGGACTACATCTCCCAGCAGGCCGTGCGCGCGAGGAGCCT-3'
Protein context (NP_000137.2, residues 73-93): RGGRALFQDI[Lys83Arg]KPAEDEWGKT